The following is an entry in ClinVar:

NM_001308093.3(GATA4):c.425G>A (p.Gly142Asp)

Gene: GATA4 (GATA binding protein 4). Cytogenetic location: 8p23.1.
Variant type: single nucleotide variant.
Coding change: c.425G>A on transcript NM_001308093.3 (MANE Select); coding-DNA position 425, G replaced by A.
Protein change: p.Gly142Asp; replaces glycine 142 with aspartic acid.
Molecular consequence: missense variant. On other transcripts: intron variant (3).
Genome position (GRCh38, 1-based): chr8:11,708,737, G>A. VCF-style: chr8-11708737-G-A. GRCh37 (hg19) VCF-style: chr8-11566246-G-A.
Other names: c.425G>A (NM_002052.3); c.425G>A, p.Gly142Asp (NM_002052.5); c.-6+7959G>A (NM_001308094.2); c.-3+723G>A (NM_001374274.1); c.-3+4433G>A (NM_001374273.1); short protein forms G142D.
Identifiers: ClinVar variation 2582487 (VCV002582487.2), dbSNP rs1188215516, ClinGen allele CA370309594.

ClinVar aggregate classification (germline): Uncertain significance. Review status: criteria provided, multiple submitters, no conflicts (2 of 4 stars). 2 submissions from 2 submitters: Uncertain significance (2). Last evaluated 2025-01-31.

Conditions:
Testicular anomalies with or without congenital heart disease (TACHD). Identifiers: Orphanet 251510, MedGen C3809858, MONDO:0014239, OMIM 615542.

gnomAD v4.1: 1 of 1,317,668 alleles (0.000076%); highest among the groups gnomAD compares: Non-Finnish European, 0.000096%; no homozygotes.

Submissions (2):

GeneDx
Classification: Uncertain significance. Last evaluated: 2025-01-31. Review status: criteria provided, single submitter. Criteria: GeneDx Variant Classification Process June 2021. Collection method: clinical testing. Allele origin: germline. Affected: yes.
Comment: Not observed at significant frequency in large population cohorts (gnomAD); In silico analysis indicates that this missense variant does not alter protein structure/function; Has not been previously published as pathogenic or benign to our knowledge

Baylor Genetics
Classification: Uncertain significance for Testicular anomalies with or without congenital heart disease. Last evaluated: 2023-01-20. Review status: criteria provided, single submitter. Criteria: ACMG Guidelines, 2015. Collection method: clinical testing. Allele origin: unknown.